The following is an entry in ClinVar:

NM_012123.4(MTO1):c.127G>A (p.Gly43Ser)

Gene: MTO1 (mitochondrial tRNA translation optimization 1; plus strand). Cytogenetic location: 6q13.
Variant type: single nucleotide variant.
Coding change: c.127G>A on transcript NM_012123.4 (MANE Select); coding-DNA position 127, G replaced by A.
Protein change: p.Gly43Ser; replaces glycine 43 with serine.
Molecular consequence: missense variant.
Genome position (GRCh38, 1-based): chr6:73,461,981, G>A. VCF-style: chr6-73461981-G-A. GRCh37 (hg19) VCF-style: chr6-74171704-G-A.
Other names: c.127G>A, p.Gly43Ser (NM_001123226.2, NM_133645.3); short protein forms G43S.
Identifiers: ClinVar variation 3348957 (VCV003348957.1).

ClinVar aggregate classification (germline): Uncertain significance (0 of 4 stars; one submission).

Conditions:
MTO1-related disorder. Also called: MTO1-related condition.

Submission:

PreventionGenetics, part of Exact Sciences
Classification: Uncertain significance for MTO1-related condition. Last evaluated: 2024-08-21. Review status: no assertion criteria provided. Collection method: clinical testing. Allele origin: germline.
Comment: The MTO1 c.127G>A variant is predicted to result in the amino acid substitution p.Gly43Ser. To our knowledge, this variant has not been reported in the literature. This variant is reported in 0.010% of alleles in individuals of East Asian descent in gnomAD. At this time, the clinical significance of this variant is uncertain due to the absence of conclusive functional and genetic evidence.